The following is an entry in ClinVar:

NM_012186.3(FOXE3):c.740C>T (p.Ala247Val)

Genes: FOXE3 (forkhead box E3; plus strand), LINC01389 (long intergenic non-protein coding RNA 1389; minus strand). Cytogenetic location: 1p33.
Variant type: single nucleotide variant.
Coding change: c.740C>T on transcript NM_012186.3 (MANE Select); coding-DNA position 740, C replaced by T.
Protein change: p.Ala247Val; replaces alanine 247 with valine.
Molecular consequence: missense variant.
Genome position (GRCh38, 1-based): chr1:47,417,055, C>T. VCF-style: chr1-47417055-C-T. GRCh37 (hg19) VCF-style: chr1-47882727-C-T.
Other names: short protein forms A247V.
Identifiers: ClinVar variation 1758776 (VCV001758776.2), dbSNP rs2521322308, ClinGen allele CA340250626.

ClinVar aggregate classification (germline): Uncertain significance (1 of 4 stars; one submission).

Conditions:
Cardiovascular phenotype. Identifiers: MedGen CN230736.

Submission:

Ambry Genetics
Classification: Uncertain significance for Cardiovascular phenotype. Last evaluated: 2022-04-21. Review status: criteria provided, single submitter. Criteria: Ambry Variant Classification Scheme 2023. Collection method: clinical testing. Allele origin: germline.
Comment: The p.A247V variant (also known as c.740C>T), located in coding exon 1 of the FOXE3 gene, results from a C to T substitution at nucleotide position 740. The alanine at codon 247 is replaced by valine, an amino acid with similar properties. This amino acid position is conserved. In addition, this alteration is predicted to be tolerated by in silico analysis. Since supporting evidence is limited at this time, the clinical significance of this alteration remains unclear.